The following is an entry in ClinVar:

NM_004329.3(BMPR1A):c.1166+2T>C

Gene: BMPR1A (bone morphogenetic protein receptor type 1A; plus strand). Cytogenetic location: 10q23.2.
Variant type: single nucleotide variant.
Coding change: c.1166+2T>C on transcript NM_004329.3 (MANE Select); the canonical splice donor site of the intron after coding-DNA position 1166, T replaced by C.
Molecular consequence: splice donor variant.
Genome position (GRCh38, 1-based): chr10:86,919,471, T>C. VCF-style: chr10-86919471-T-C. GRCh37 (hg19) VCF-style: chr10-88679228-T-C.
Other names: c.1166+2T>C (NM_001406562.1, NM_001406568.1, NM_001406567.1 and 19 more transcripts); c.1082+2T>C (NM_001406584.1, NM_001406588.1, NM_001406587.1 and 2 more transcripts); c.1214+2T>C (NM_001406560.1); c.1241+2T>C (NM_001406559.1); c.1160+2T>C (NM_001406583.1); c.824+2T>C (NM_001406589.1).
Identifiers: ClinVar variation 1332675 (VCV001332675.8), dbSNP rs750011688, ClinGen allele CA5585654.
Genomic context (GRCh38, chr10:86,919,471, plus strand): 5'-ATCAAGAAAAATGGGAGTTGCTGCATTGCTGACCTGGGCCTTGCTGTTAAATTCAACAGG[T>C]GAGTGGTTCTTTGCCCCACTGTTTTGAAATTATTTTAATTTCCAAAAGATATTTCCCTAT-3'

ClinVar aggregate classification (germline): Conflicting classifications of pathogenicity. Review status: criteria provided, conflicting classifications (1 of 4 stars). 4 submissions from 4 submitters: Likely pathogenic (3); Uncertain significance (1). Last evaluated 2024-09-06.

Conditions:
Hereditary cancer-predisposing syndrome. Also called: Neoplastic Syndromes, Hereditary; Hereditary Cancer Syndrome; Hereditary neoplastic syndrome; Tumor predisposition. Identifiers: Orphanet 140162, MedGen C0027672, MeSH D009386, MONDO:0015356.
Juvenile polyposis syndrome (JPS). Identifiers: Orphanet 2929, MedGen C0345893, MONDO:0017380, OMIM 174900.
Polyposis syndrome, hereditary mixed, 2. Identifiers: Orphanet 157794, MedGen C1864730, MONDO:0012405, OMIM 610069.

Allele frequency attached by ClinVar (database versions not stated): gnomAD exomes below 0.00001; ExAC 0.00001.
gnomAD v4.1: 1 of 1,613,444 alleles (0.000062%); highest among the groups gnomAD compares: East Asian, 0.0022%; no homozygotes.

Submissions (4):

Ambry Genetics
Classification: Uncertain significance for Hereditary cancer-predisposing syndrome. Last evaluated: 2024-09-06. Review status: criteria provided, single submitter. Criteria: Ambry Variant Classification Scheme 2023. Collection method: clinical testing. Allele origin: germline.
Comment: The c.1166+2T>C intronic variant results from a T to C substitution two nucleotides after coding exon 8 in the BMPR1A gene. This nucleotide position is highly conserved in available vertebrate species. In silico splice site analysis predicts that this alteration may weaken the native splice donor site. Alterations that disrupt the canonical splice site are expected to cause aberrant splicing, resulting in an abnormal protein or a transcript that is subject to nonsense-mediated mRNA decay; however, +2T>C alterations are capable of generating wild-type transcripts in some genomic contexts and should be interpreted with caution (Lin JH et al. Hum Mutat. 2019 10;40:1856-1873). Based on the available evidence, the clinical significance of this alteration remains unclear.

Myriad Genetics, Inc.
Classification: Likely pathogenic for Juvenile polyposis syndrome. Last evaluated: 2023-05-26. Review status: criteria provided, single submitter. Criteria: Myriad Autosomal Dominant, Autosomal Recessive and X-Linked Classification Criteria (2023). Collection method: clinical testing. Allele origin: unknown.
Comment: This variant is considered likely pathogenic. This variant occurs within a consensus splice junction and is predicted to result in abnormal mRNA splicing of either an out-of-frame exon or an in-frame exon necessary for protein stability and/or normal function.

Color Diagnostics, LLC DBA Color Health
Classification: Likely pathogenic for Hereditary cancer-predisposing syndrome. Last evaluated: 2021-04-06. Review status: criteria provided, single submitter. Criteria: ACMG Guidelines, 2015. Collection method: clinical testing. Allele origin: germline.
Comment: This variant causes a T to C nucleotide substitution at the +2 position of intron 10 of the BMPR1A gene. Splice site prediction tools predict that this variant may have a significant impact on RNA splicing. To our knowledge, RNA studies have not been reported for this variant. This variant has not been reported in individuals affected with hereditary cancer in the literature. This variant has been identified in 1/251050 chromosomes in the general population by the Genome Aggregation Database (gnomAD). Loss of BMPR1A function is a known mechanism of disease. Based on the available evidence, this variant is classified as Likely Pathogenic.

Juno Genomics, Hangzhou Juno Genomics, Inc
Classification: Likely pathogenic for Polyposis syndrome, hereditary mixed, 2; Juvenile polyposis syndrome. Review status: criteria provided, single submitter. Criteria: ACMG Guidelines, 2015. Collection method: clinical testing. Allele origin: germline.
Comment: Absent from controls (or at extremely low frequency if recessive) in Genome Aggregation Database.;Null variant in a gene where loss of function (LOF) is a known mechanism of disease.